The following is an entry in ClinVar:

NM_004822.3(NTN1):c.921G>A (p.Arg307=)

Gene: NTN1 (netrin 1; plus strand). Cytogenetic location: 17p13.1.
Variant type: single nucleotide variant.
Coding change: c.921G>A on transcript NM_004822.3 (MANE Select); coding-DNA position 921, G replaced by A.
Protein change: p.Arg307=; no amino-acid change (arginine 307 retained).
Molecular consequence: synonymous variant.
Genome position (GRCh38, 1-based): chr17:9,023,294, G>A. VCF-style: chr17-9023294-G-A. GRCh37 (hg19) VCF-style: chr17-8926611-G-A.
Identifiers: ClinVar variation 3050473 (VCV003050473.2), dbSNP rs2508511011, ClinGen allele CA497983489.

ClinVar aggregate classification (germline): Likely benign (0 of 4 stars; one submission).

Conditions:
NTN1-related disorder. Also called: NTN1-related condition.

Submission:

PreventionGenetics, part of Exact Sciences
Classification: Likely benign for NTN1-related condition. Last evaluated: 2019-07-22. Review status: no assertion criteria provided. Collection method: clinical testing. Allele origin: germline.
Comment: This variant is classified as likely benign based on ACMG/AMP sequence variant interpretation guidelines (Richards et al. 2015 PMID: 25741868, with internal and published modifications).